The following is an entry in ClinVar:

ClinVar aggregate classification (germline): Uncertain significance. Review status: criteria provided, multiple submitters, no conflicts (2 of 4 stars). 2 submissions from 2 submitters: Uncertain significance (2). Last evaluated 2023-05-20.

Allele frequency attached by ClinVar (database versions not stated): gnomAD exomes 0.00002; TOPMed 0.00002; ExAC 0.00003; gnomAD 0.00004.
gnomAD v4.1: 31 of 1,613,052 alleles (0.0019%); highest among the groups gnomAD compares: Middle Eastern, 0.017%; no homozygotes.

Submissions (2):

Labcorp Genetics (formerly Invitae), Labcorp
Classification: Uncertain significance. Last evaluated: 2023-05-20. Review status: criteria provided, single submitter. Criteria: Invitae Variant Classification Sherloc (09022015). Collection method: clinical testing. Allele origin: germline.
Comment: Algorithms developed to predict the effect of missense changes on protein structure and function output the following: SIFT: "Not Available"; PolyPhen-2: "Benign"; Align-GVGD: "Not Available". The isoleucine amino acid residue is found in multiple mammalian species, which suggests that this missense change does not adversely affect protein function. ClinVar contains an entry for this variant (Variation ID: 2217517). This variant has not been reported in the literature in individuals affected with WNT3A-related conditions. This variant is present in population databases (rs572229142, gnomAD 0.01%). This sequence change replaces valine, which is neutral and non-polar, with isoleucine, which is neutral and non-polar, at codon 91 of the WNT3A protein (p.Val91Ile). In summary, the available evidence is currently insufficient to determine the role of this variant in disease. Therefore, it has been classified as a Variant of Uncertain Significance.

Ambry Genetics
Classification: Uncertain significance. Last evaluated: 2022-07-27. Review status: criteria provided, single submitter. Criteria: Ambry Variant Classification Scheme 2023. Collection method: clinical testing. Allele origin: germline.

NM_033131.4(WNT3A):c.271G>A (p.Val91Ile)

Gene: WNT3A (Wnt family member 3A; plus strand). Cytogenetic location: 1q42.13.
Variant type: single nucleotide variant.
Coding change: c.271G>A on transcript NM_033131.4 (MANE Select); coding-DNA position 271, G replaced by A.
Protein change: p.Val91Ile; replaces valine 91 with isoleucine.
Molecular consequence: missense variant.
Genome position (GRCh38, 1-based): chr1:228,022,866, G>A. VCF-style: chr1-228022866-G-A. GRCh37 (hg19) VCF-style: chr1-228210567-G-A.
Other names: short protein forms V91I.
Identifiers: ClinVar variation 2217517 (VCV002217517.5), dbSNP rs572229142, ClinGen allele CA1429398.
Genomic context (GRCh38, chr1:228,022,866, plus strand): 5'-AAGATTGGCATCCAGGAGTGCCAGCACCAGTTCCGCGGCCGCCGGTGGAACTGCACCACC[G>A]TCCACGACAGCCTGGCCATCTTCGGGCCCGTGCTGGACAAAGGTATGGGGGTGGTCTGGG-3'
Protein context (NP_149122.1, residues 81-101): FRGRRWNCTT[Val91Ile]HDSLAIFGPV